The following is an entry in ClinVar:

ClinVar aggregate classification (germline): Likely benign (0 of 4 stars; one submission).

Conditions:
NECTIN2-related disorder. Also called: NECTIN2-related condition.

Allele frequency attached by ClinVar (database versions not stated): ESP Exome Variant Server 0.00008.
gnomAD v4.1: 54 of 1,613,008 alleles (0.0033%); highest among the groups gnomAD compares: African/African-American, 0.015%; no homozygotes.

Submission:

PreventionGenetics, part of Exact Sciences
Classification: Likely benign for NECTIN2-related condition. Last evaluated: 2020-05-19. Review status: no assertion criteria provided. Collection method: clinical testing. Allele origin: germline.
Comment: This variant is classified as likely benign based on ACMG/AMP sequence variant interpretation guidelines (Richards et al. 2015 PMID: 25741868, with internal and published modifications).

NM_001042724.2(NECTIN2):c.1290G>A (p.Ser430=)

Gene: NECTIN2 (nectin cell adhesion molecule 2; plus strand). Cytogenetic location: 19q13.32.
Variant type: single nucleotide variant.
Coding change: c.1290G>A on transcript NM_001042724.2 (MANE Select); coding-DNA position 1290, G replaced by A.
Protein change: p.Ser430=; no amino-acid change (serine 430 retained).
Molecular consequence: synonymous variant.
Genome position (GRCh38, 1-based): chr19:44,886,162, G>A. VCF-style: chr19-44886162-G-A. GRCh37 (hg19) VCF-style: chr19-45389419-G-A.
Identifiers: ClinVar variation 3048558 (VCV003048558.2), dbSNP rs376996543, ClinGen allele CA9505461.
Genomic context (GRCh38, chr19:44,886,162, plus strand): 5'-TCCTGACCTCCCCGCCCCTCTCCCACTACAGCCCTCCCAGCTCTTCACTCTGGGGGCCTC[G>A]GAGCACAGCCCACTCAAGACCCCCTACTTTGATGCTGGCGCCTCATGCACTGAGCAGGTA-3'
Protein context (NP_001036189.1, residues 420-440): MPSQLFTLGA[Ser430=]EHSPLKTPYF